The following is an entry in ClinVar:

ClinVar aggregate classification (germline): Uncertain significance (1 of 4 stars; one submission).

Submission:

GeneDx
Classification: Uncertain significance. Last evaluated: 2021-06-14. Review status: criteria provided, single submitter. Criteria: GeneDx Variant Classification Process June 2021. Collection method: clinical testing. Allele origin: germline. Affected: yes.
Comment: Has not been previously published as pathogenic or benign to our knowledge; This variant is associated with the following publications: (PMID: 27535533)

NM_001291303.3(FAT4):c.14386_14387del (p.Arg4796fs)

Gene: FAT4 (FAT atypical cadherin 4; plus strand). Cytogenetic location: 4q28.1.
Variant type: Microsatellite.
Coding change: c.14386_14387del on transcript NM_001291303.3 (MANE Select); coding-DNA positions 14386 to 14387, 2 bases deleted (AG; older notation c.14386_14387delAG).
Protein change: p.Arg4796fs; shifts the reading frame from arginine 4796.
Molecular consequence: frameshift variant.
Genome position (GRCh38, 1-based): chr4:125,491,202-125,491,203, AG deleted; deleting any 2 consecutive bases within chr4:125,491,199-125,491,203 gives the same sequence; the c. name uses the placement nearest the transcript's 3' end. VCF-style (leftmost placement, unchanged base first): chr4-125491198-GGA-G. GRCh37 (hg19) VCF-style: chr4-126412353-GGA-G.
Other names: c.14383_14384del, p.Arg4795fs (NM_001291285.3); c.14380_14381del, p.Arg4794fs (NM_024582.6); short protein forms R4794fs, R4795fs, R4796fs.
Identifiers: ClinVar variation 1328587 (VCV001328587.2), dbSNP rs2126098060, ClinGen allele CA2580616773.
Genomic context (GRCh38, chr4:125,491,198, plus strand): 5'-GCCGATTGGGCAGATTCCACTGGAATCTTCTCCTCCAGTCGGACTTTCTATTGAAGAAGT[GGA>G]GAGGCTCAACACACCTCGCCCTAGAAACCCAAGTATCTGCAGTGCAGACCATGGGAGGTC-3'